The following is an entry in ClinVar:

ClinVar aggregate classification (germline): Uncertain significance (1 of 4 stars; one submission).

Conditions:
Idiopathic Pulmonary Fibrosis. Also called: Idiopathic fibrosing alveolitis, chronic form; idiopathic fibrosing alveolitis. Identifiers: Orphanet 2032, MedGen C1800706, MeSH D054990, MONDO:0800504.
Dyskeratosis congenita, autosomal dominant 2. Identifiers: MedGen C3151443, MONDO:0013521, OMIM 613989.

Submission:

Labcorp Genetics (formerly Invitae), Labcorp
Classification: Uncertain significance for Dyskeratosis congenita, autosomal dominant 2; Idiopathic Pulmonary Fibrosis. Last evaluated: 2021-12-20. Review status: criteria provided, single submitter. Criteria: Invitae Variant Classification Sherloc (09022015). Collection method: clinical testing. Allele origin: germline.
Comment: This variant has not been reported in the literature in individuals affected with TERT-related conditions. In summary, the available evidence is currently insufficient to determine the role of this variant in disease. Therefore, it has been classified as a Variant of Uncertain Significance. Algorithms developed to predict the effect of sequence changes on RNA splicing suggest that this variant may create or strengthen a splice site. Advanced modeling of protein sequence and biophysical properties (such as structural, functional, and spatial information, amino acid conservation, physicochemical variation, residue mobility, and thermodynamic stability) performed at Invitae indicates that this missense variant is not expected to disrupt TERT protein function. ClinVar contains an entry for this variant (Variation ID: 568760). This variant is not present in population databases (gnomAD no frequency). This sequence change replaces histidine, which is basic and polar, with aspartic acid, which is acidic and polar, at codon 189 of the TERT protein (p.His189Asp).

NM_198253.3(TERT):c.565C>G (p.His189Asp)

Gene: TERT (telomerase reverse transcriptase; minus strand). Cytogenetic location: 5p15.33.
Variant type: single nucleotide variant.
Coding change: c.565C>G on transcript NM_198253.3 (MANE Select); coding-DNA position 565, C replaced by G.
Protein change: p.His189Asp; replaces histidine 189 with aspartic acid.
Molecular consequence: missense variant. On other transcripts: non-coding transcript variant (2).
Genome position (GRCh38, 1-based): chr5:1,294,321, G>C on the plus strand (C>G on the coding strand, the complement: TERT is on the minus strand). VCF-style: chr5-1294321-G-C. GRCh37 (hg19) VCF-style: chr5-1294436-G-C.
Other names: c.565C>G, p.His189Asp (NM_001193376.3); short protein forms H189D.
Identifiers: ClinVar variation 568760 (VCV000568760.7), dbSNP rs1561214604, ClinGen allele CA359057468.